The following is an entry in ClinVar:

NM_000057.4(BLM):c.1173_1180dup (p.Leu394Ter)

Gene: BLM (BLM RecQ like helicase; plus strand). Cytogenetic location: 15q26.1.
Variant type: Duplication.
Coding change: c.1173_1180dup on transcript NM_000057.4 (MANE Select); coding-DNA positions 1173 to 1180, 8 bases duplicated (GAAACTTT; older notation c.1173_1180dupGAAACTTT).
Protein change: p.Leu394Ter; replaces leucine 394 with a stop codon.
Molecular consequence: nonsense.
Genome position (GRCh38, 1-based): chr15:90,760,232-90,760,239, GAAACTTT duplicated; duplicating any 8 consecutive bases within chr15:90,760,231-90,760,239 gives the same sequence; the c. name uses the placement nearest the transcript's 3' end. VCF-style (leftmost placement, unchanged base first): chr15-90760230-C-CTGAAACTT. GRCh37 (hg19) VCF-style: chr15-91303460-C-CTGAAACTT.
Other names: c.1173_1180dup, p.Leu394Ter (NM_001287246.2, NM_001287247.2); c.48_55dup, p.Leu19Ter (NM_001287248.2); short protein forms L394*, L19*.
Identifiers: ClinVar variation 818492 (VCV000818492.8), dbSNP rs1596228957, ClinGen allele CA915946148.

ClinVar aggregate classification (germline): Pathogenic/Likely pathogenic. Review status: criteria provided, multiple submitters, no conflicts (2 of 4 stars). 3 submissions from 3 submitters: Pathogenic (2); Likely pathogenic (1). Last evaluated 2024-06-05.

Conditions:
Bloom syndrome (BLM). Also called: Bloom-Torre-Machacek syndrome. Identifiers: Orphanet 125, MedGen C0005859, MONDO:0008876, OMIM 210900.
Hereditary cancer-predisposing syndrome. Also called: Tumor predisposition; Hereditary neoplastic syndrome; Neoplastic Syndromes, Hereditary; Hereditary Cancer Syndrome. Identifiers: Orphanet 140162, MedGen C0027672, MeSH D009386, MONDO:0015356.

Submissions (3):

Fulgent Genetics
Classification: Likely pathogenic for Bloom syndrome. Last evaluated: 2024-06-05. Review status: criteria provided, single submitter. Criteria: ACMG Guidelines, 2015. Collection method: clinical testing. Allele origin: germline.

Labcorp Genetics (formerly Invitae), Labcorp
Classification: Pathogenic for Bloom syndrome. Last evaluated: 2024-01-17. Review status: criteria provided, single submitter. Criteria: Invitae Variant Classification Sherloc (09022015). Collection method: clinical testing. Allele origin: germline.
Comment: This sequence change creates a premature translational stop signal (p.Leu394*) in the BLM gene. It is expected to result in an absent or disrupted protein product. Loss-of-function variants in BLM are known to be pathogenic (PMID: 17407155). This variant is not present in population databases (gnomAD no frequency). This variant has not been reported in the literature in individuals affected with BLM-related conditions. ClinVar contains an entry for this variant (Variation ID: 818492). Algorithms developed to predict the effect of sequence changes on RNA splicing suggest that this variant may disrupt the consensus splice site. For these reasons, this variant has been classified as Pathogenic.

Ambry Genetics
Classification: Pathogenic for Hereditary cancer-predisposing syndrome. Last evaluated: 2019-10-08. Review status: criteria provided, single submitter. Criteria: Ambry Variant Classification Scheme 2023. Collection method: clinical testing. Allele origin: germline.
Comment: The c.1173_1180dupGAAACTTT pathogenic mutation, located in coding exon 5 of the BLM gene, results from a duplication of GAAACTTT at nucleotide position 1173. This changes the amino acid from a leucine to a stop codon (p.L394*). This alteration is expected to result in loss of function by premature protein truncation or nonsense-mediated mRNA decay. As such, this alteration is interpreted as a disease-causing mutation.

Literature cited by the submitters: PubMed 17407155 (cited by Labcorp Genetics (formerly Invitae), Labcorp).